The following is an entry in ClinVar:

NM_005585.5(SMAD6):c.1448C>T (p.Ser483Phe)

Gene: SMAD6 (SMAD family member 6; plus strand). Cytogenetic location: 15q22.31.
Variant type: single nucleotide variant.
Coding change: c.1448C>T on transcript NM_005585.5 (MANE Select); coding-DNA position 1448, C replaced by T.
Protein change: p.Ser483Phe; replaces serine 483 with phenylalanine.
Molecular consequence: missense variant. On other transcripts: non-coding transcript variant (1).
Genome position (GRCh38, 1-based): chr15:66,781,492, C>T. VCF-style: chr15-66781492-C-T. GRCh37 (hg19) VCF-style: chr15-67073830-C-T.
Other names: c.1448C>T (NM_005585.4); short protein forms S483F.
Identifiers: ClinVar variation 3703016 (VCV003703016.3).

ClinVar aggregate classification (germline): Uncertain significance. Review status: criteria provided, multiple submitters, no conflicts (2 of 4 stars). 2 submissions from 2 submitters: Uncertain significance (2). Last evaluated 2026-05-11.

Conditions:
Inborn genetic diseases. Identifiers: MedGen C0950123, MeSH D030342.
Aortic valve disease 2 (AOVD2). Identifiers: MedGen C3542024, MONDO:0013902, OMIM 614823.

gnomAD v4.1: 2 of 1,579,500 alleles (0.00013%); highest among the groups gnomAD compares: Admixed American, 0.0018%; no homozygotes.

Submissions (2):

Ambry Genetics
Classification: Uncertain significance for Inborn genetic diseases. Last evaluated: 2026-05-11. Review status: criteria provided, single submitter. Criteria: Ambry Variant Classification Scheme 2023. Collection method: clinical testing. Allele origin: germline.
Comment: The c.1448C>T (p.S483F) alteration is located in exon 4 (coding exon 4) of the SMAD6 gene. This alteration results from a C to T substitution at nucleotide position 1448, causing the serine (S) at amino acid position 483 to be replaced by a phenylalanine (F). Based on data from gnomAD, the T allele has an overall frequency of <0.001% (1/217042) total alleles studied. The highest observed frequency was 0.003% (1/30078) of Latino alleles. Based on insufficient or conflicting evidence, the clinical significance of this alteration remains unclear.

Labcorp Genetics (formerly Invitae), Labcorp
Classification: Uncertain significance for Aortic valve disease 2. Last evaluated: 2025-01-08. Review status: criteria provided, single submitter. Criteria: Invitae Variant Classification Sherloc (09022015). Collection method: clinical testing. Allele origin: germline.
Comment: This sequence change replaces serine, which is neutral and polar, with phenylalanine, which is neutral and non-polar, at codon 483 of the SMAD6 protein (p.Ser483Phe). The frequency data for this variant in the population databases is considered unreliable, as metrics indicate poor data quality at this position in the gnomAD database. This variant has not been reported in the literature in individuals affected with SMAD6-related conditions. Invitae Evidence Modeling of protein sequence and biophysical properties (such as structural, functional, and spatial information, amino acid conservation, physicochemical variation, residue mobility, and thermodynamic stability) has been performed for this missense variant. However, the output from this modeling did not meet the statistical confidence thresholds required to predict the impact of this variant on SMAD6 protein function. In summary, the available evidence is currently insufficient to determine the role of this variant in disease. Therefore, it has been classified as a Variant of Uncertain Significance.